The following is an entry in ClinVar:

ClinVar aggregate classification (germline): Pathogenic (1 of 4 stars; one submission).

Submission:

Labcorp Genetics (formerly Invitae), Labcorp
Classification: Pathogenic. Last evaluated: 2022-11-25. Review status: criteria provided, single submitter. Criteria: Invitae Variant Classification Sherloc (09022015). Collection method: clinical testing. Allele origin: unknown.
Comment: For these reasons, this variant has been classified as Pathogenic. This variant has not been reported in the literature in individuals affected with DNAH9-related conditions. This variant is a gross deletion of the genomic region encompassing exon(s) 1-6 of the DNAH9 gene, which includes the initiator codon. This deletion extends beyond the assayed region for this gene and therefore may encompass additional genes. It is expected to result in an absent or disrupted protein product. Loss-of-function variants in DNAH9 are known to be pathogenic (PMID: 30471718).

Literature cited by the submitters: PubMed 30471718.

NC_000017.10:g.(?_11501816)_(11523118_?)del

Gene: DNAH9 (dynein axonemal heavy chain 9; plus strand). Cytogenetic location: 17p12.
Variant type: Deletion.
Identifiers: ClinVar variation 3243147 (VCV003243147.1).